The following is an entry in ClinVar:

ClinVar aggregate classification (germline): Likely benign (1 of 4 stars; one submission).

Allele frequency attached by ClinVar (database versions not stated): gnomAD exomes below 0.00001 and 0.00001; ExAC 0.00001; TOPMed 0.00001.
gnomAD v4.1: 2 of 1,609,840 alleles (0.00012%); highest among the groups gnomAD compares: Non-Finnish European, 0.00017%; no homozygotes.

Submission:

GeneDx
Classification: Likely benign. Last evaluated: 2017-11-01. Review status: criteria provided, single submitter. Criteria: GeneDx Variant Classification (06012015). Collection method: clinical testing. Allele origin: germline. Affected: yes.
Comment: This variant is considered likely benign or benign based on one or more of the following criteria: it is a conservative change, it occurs at a poorly conserved position in the protein, it is predicted to be benign by multiple in silico algorithms, and/or has population frequency not consistent with disease.

NM_018993.4(RIN2):c.2316C>T (p.His772=)

Gene: RIN2 (Ras and Rab interactor 2; plus strand). Cytogenetic location: 20p11.23.
Variant type: single nucleotide variant.
Coding change: c.2316C>T on transcript NM_018993.4 (MANE Select); coding-DNA position 2316, C replaced by T.
Protein change: p.His772=; no amino-acid change (histidine 772 retained).
Molecular consequence: synonymous variant.
Genome position (GRCh38, 1-based): chr20:19,996,794, C>T. VCF-style: chr20-19996794-C-T. GRCh37 (hg19) VCF-style: chr20-19977438-C-T.
Other names: c.2463C>T, p.His821= (NM_001242581.2); c.1698C>T, p.His566= (NM_001378238.1).
Identifiers: ClinVar variation 513007 (VCV000513007.1), dbSNP rs748066193, ClinGen allele CA9780266.